The following is an entry in ClinVar:

ClinVar aggregate classification (germline): Pathogenic. Review status: criteria provided, multiple submitters, no conflicts (2 of 4 stars). 9 submissions from 9 submitters: Pathogenic (6). 3 of the submissions do not count toward it. Last evaluated 2025-10-24.

Conditions:
Pendred syndrome (PDS). Also called: DEAFNESS WITH GOITER; GOITER-DEAFNESS SYNDROME; HYPOTHYROIDISM, CONGENITAL, DUE TO DYSHORMONOGENESIS, 2B; Pendred Syndrome (PDS); THYROID DYSHORMONOGENESIS 2B; THYROID HORMONOGENESIS, GENETIC DEFECT IN, 2B. Identifiers: Orphanet 705, MedGen C0271829, MONDO:0010134, OMIM 274600.
Autosomal recessive nonsyndromic hearing loss 4 (DFNB4). Also called: NEUROSENSORY NONSYNDROMIC RECESSIVE DEAFNESS 4; Enlarged vestibular aqueduct, digenic; DEAFNESS, AUTOSOMAL RECESSIVE 4, WITH ENLARGED VESTIBULAR AQUEDUCT, DIGENIC; FOXI1-Related Pendred Syndrome; KCNJ10-Related Pendred Syndrome; Nonsyndromic enlarged vestibular aqueduct (NSEVA). Identifiers: Orphanet 90636, MedGen C3538946, MONDO:0010933, OMIM 600791.

Allele frequency attached by ClinVar (database versions not stated): gnomAD exomes below 0.00001 and 0.00001; gnomAD 0.00001 and 0.00002; TOPMed 0.00001; ExAC 0.00003; ESP Exome Variant Server 0.00008; 1000 Genomes Project 30x 0.00016; 1000 Genomes Project 0.00020.
gnomAD v4.1: 7 of 1,417,066 alleles (0.00049%); highest among the groups gnomAD compares: East Asian, 0.014%; no homozygotes.

Submissions (9):

Natera, Inc.
Classification: Pathogenic for Pendred syndrome. Last evaluated: 2025-10-24. Review status: criteria provided, single submitter. Criteria: Natera Variant Classification Schema (03/2026). Collection method: clinical testing. Allele origin: germline.
Comment: The c.1707+5G>A variant in SLC26A4 is an intronic variant located outside the canonical splice sites. This variant is rare in the general population with a frequency below the threshold expected for the associated phenotype(s). This variant has been observed in one or more individuals affected with the associated recessive disease, as either homozygous or compound heterozygous with a second variant (PMID: 23705809). Computational prediction algorithms indicate this variant is likely to affect gene or protein function. Given the available evidence, this variant is classified as Pathogenic.

Baylor Genetics
Classification: Pathogenic for Autosomal recessive nonsyndromic hearing loss 4. Last evaluated: 2024-02-24. Review status: criteria provided, single submitter. Criteria: ACMG Guidelines, 2015. Collection method: clinical testing. Allele origin: unknown.

Labcorp Genetics (formerly Invitae), Labcorp
Classification: Pathogenic. Last evaluated: 2023-11-18. Review status: criteria provided, single submitter. Criteria: Invitae Variant Classification Sherloc (09022015). Collection method: clinical testing. Allele origin: germline.
Comment: This sequence change falls in intron 15 of the SLC26A4 gene. It does not directly change the encoded amino acid sequence of the SLC26A4 protein. It affects a nucleotide within the consensus splice site. This variant is present in population databases (rs192366176, gnomAD 0.006%). This variant has been observed in individuals with Pendred syndrome or sensorineural hearing loss and enlarged vestibular aqueduct (PMID: 21961810, 23705809, 26763877). This variant is also known as IVS15+5G>A. ClinVar contains an entry for this variant (Variation ID: 446457). Variants that disrupt the consensus splice site are a relatively common cause of aberrant splicing (PMID: 17576681, 9536098). Algorithms developed to predict the effect of sequence changes on RNA splicing suggest that this variant may disrupt the consensus splice site. For these reasons, this variant has been classified as Pathogenic.

GeneDx
Classification: Pathogenic. Last evaluated: 2018-05-08. Review status: criteria provided, single submitter. Criteria: GeneDx Variant Classification (06012015). Collection method: clinical testing. Allele origin: germline. Affected: yes.
Comment: The c.1707+5 G>A splice site variant in the SLC26A4 gene has been previously reported in both the homozygous and compound heterozygous state in association with SLC26A4-related disorders (Ganaha et al., 2013; Hao et al., 2018; Yang et al., 2005). The variant is not observed at a significant frequency in large population cohorts (Lek et al., 2016). This pathogenic variant destroys the natural splice donor site in intron 15, and is expected to cause abnormal gene splicing. In summary, we consider this to be a pathogenic variant.

Division of Hearing and Balance Research, National Hospital Organization Tokyo Medical Center
Classification: Pathogenic for Autosomal recessive nonsyndromic hearing loss 4. Last evaluated: 2017-07-01. Review status: criteria provided, single submitter. Criteria: Submitter's publication. Collection method: clinical testing. Allele origin: germline. Affected: yes. Observed: 3 variant alleles. Clinical features observed: Hearing impairment (HP:0000365).

Juno Genomics, Hangzhou Juno Genomics, Inc
Classification: Pathogenic for Autosomal recessive nonsyndromic hearing loss 4; Pendred syndrome. Review status: criteria provided, single submitter. Criteria: ACMG Guidelines, 2015. Collection method: clinical testing. Allele origin: germline. Affected: yes.
Comment: For recessive disorders, detected in trans with a pathogenic variant.;Patient's phenotype or family history is highly specific for a disease with a single genetic etiology.;Well-established in vitro or in vivo functional studies supportive of a damaging effect on the gene or gene product.

National Institute of Sensory Organs, National Hospital Organization Tokyo Medical Center
Classification: Affects for Autosomal recessive nonsyndromic hearing loss 4. Last evaluated: 2019-08-20. Review status: no assertion criteria provided. Collection method: clinical testing, in vitro. Allele origin: inherited, germline. Inheritance: Autosomal recessive inheritance. Affected: yes. Functional consequence: sequence_variant_affecting_splicing. Not counted in ClinVar's aggregate classification.
Comment: in vitro experiment

Genetic Testing Center for Deafness, Department of Otolaryngology Head & Neck Surgery, Institute of Otolaryngology, Chinese PLA General Hospital
Classification: Pathogenic for Autosomal recessive nonsyndromic hearing loss 4. Last evaluated: 2019-02-26. Review status: no assertion criteria provided. Collection method: case-control. Allele origin: inherited. Affected: yes. Observed: 1 variant allele. Not counted in ClinVar's aggregate classification.

Counsyl
Classification: Pathogenic for Pendred syndrome. Last evaluated: 2017-09-07. Review status: no assertion criteria provided. Collection method: clinical testing. Allele origin: unknown. Not counted in ClinVar's aggregate classification.

Literature cited by the submitters: PubMed 23705809 (cited by 4 submitters); PubMed 21961810 (cited by Labcorp Genetics (formerly Invitae), Labcorp and National Institute of Sensory Organs, National Hospital Organization Tokyo Medical Center); PubMed 26763877 (cited by Labcorp Genetics (formerly Invitae), Labcorp and National Institute of Sensory Organs, National Hospital Organization Tokyo Medical Center); PubMed 17576681 (cited by Labcorp Genetics (formerly Invitae), Labcorp); PubMed 9536098 (cited by Labcorp Genetics (formerly Invitae), Labcorp); PubMed 15679828 (cited by National Institute of Sensory Organs, National Hospital Organization Tokyo Medical Center); PubMed 15574297 (cited by National Institute of Sensory Organs, National Hospital Organization Tokyo Medical Center); PubMed 23967202 (cited by National Institute of Sensory Organs, National Hospital Organization Tokyo Medical Center); PubMed 25525159 (cited by National Institute of Sensory Organs, National Hospital Organization Tokyo Medical Center); PubMed 31599023 (cited by National Institute of Sensory Organs, National Hospital Organization Tokyo Medical Center).

NM_000441.2(SLC26A4):c.1707+5G>A

Gene: SLC26A4 (solute carrier family 26 member 4; plus strand). Cytogenetic location: 7q22.3.
Variant type: single nucleotide variant.
Coding change: c.1707+5G>A on transcript NM_000441.2 (MANE Select); 5 bases into the intron after coding-DNA position 1707, G replaced by A.
Molecular consequence: intron variant.
Genome position (GRCh38, 1-based): chr7:107,700,180, G>A. VCF-style: chr7-107700180-G-A. GRCh37 (hg19) VCF-style: chr7-107340625-G-A.
Other names: IVS15+5G>A.
Identifiers: ClinVar variation 446457 (VCV000446457.27), dbSNP rs192366176, ClinGen allele CA4432913.
Genomic context (GRCh38, chr7:107,700,180, plus strand): 5'-CCAGTCCTATTTTCTATGGCAATGTCGATGGTTTTAAAAAATGTATCAAGTCCACAGTAA[G>A]TATTTTATCCCTAGAAATTTGTTTTCTAACCTCTTTTGAGACTTCATTCATTCTACAAGT-3'